The following is an entry in ClinVar:

NM_000059.4(BRCA2):c.266C>A (p.Pro89Gln)

Gene: BRCA2 (BRCA2 DNA repair associated; plus strand). Cytogenetic location: 13q13.1.
Variant type: single nucleotide variant.
Coding change: c.266C>A on transcript NM_000059.4 (MANE Select); coding-DNA position 266, C replaced by A.
Protein change: p.Pro89Gln; replaces proline 89 with glutamine.
Molecular consequence: missense variant.
Genome position (GRCh38, 1-based): chr13:32,319,275, C>A. VCF-style: chr13-32319275-C-A. GRCh37 (hg19) VCF-style: chr13-32893412-C-A.
Other names: short protein forms P89Q.
Identifiers: ClinVar variation 545484 (VCV000545484.5), dbSNP rs748609599, ClinGen allele CA387754572.

ClinVar aggregate classification (germline): Uncertain significance. Review status: criteria provided, multiple submitters, no conflicts (2 of 4 stars). 2 submissions from 2 submitters: Uncertain significance (2). Last evaluated 2023-03-07.

Conditions:
Hereditary breast ovarian cancer syndrome. Also called: Hereditary breast and ovarian cancer; Hereditary breast and/or ovarian cancer syndrome; Hereditary breast and ovarian cancer syndrome; Hereditary breast and ovarian cancer syndrome (HBOC); Breast and ovarian cancer; BRCA1- and BRCA2-Associated Hereditary Breast and Ovarian Cancer. Identifiers: Orphanet 145, MedGen C0677776, MeSH D061325, MONDO:0003582. Disease mechanism: loss of function.
Breast cancer, susceptibility to. Identifiers: MedGen C3469522. Disease mechanism: gain of function.

Submissions (2):

Labcorp Genetics (formerly Invitae), Labcorp
Classification: Uncertain significance for Hereditary breast ovarian cancer syndrome. Last evaluated: 2023-03-07. Review status: criteria provided, single submitter. Criteria: Invitae Variant Classification Sherloc (09022015). Collection method: clinical testing. Allele origin: germline.
Comment: This sequence change replaces proline, which is neutral and non-polar, with glutamine, which is neutral and polar, at codon 89 of the BRCA2 protein (p.Pro89Gln). This variant is not present in population databases (gnomAD no frequency). This variant has not been reported in the literature in individuals affected with BRCA2-related conditions. ClinVar contains an entry for this variant (Variation ID: 545484). Advanced modeling of protein sequence and biophysical properties (such as structural, functional, and spatial information, amino acid conservation, physicochemical variation, residue mobility, and thermodynamic stability) performed at Invitae indicates that this missense variant is not expected to disrupt BRCA2 protein function. In summary, the available evidence is currently insufficient to determine the role of this variant in disease. Therefore, it has been classified as a Variant of Uncertain Significance.

Cancer Molecular Diagnostics Core, Tianjin Medical University Cancer Institute and Hospital
Classification: Uncertain significance for Breast cancer, susceptibility to. Last evaluated: 2018-03-25. Review status: criteria provided, single submitter. Criteria: ACMG Guidelines, 2015. Collection method: research. Allele origin: germline. Affected: yes. Observed: 1 variant allele.